The following is an entry in ClinVar:

NM_001458.5(FLNC):c.1844dup (p.Ile616fs)

Gene: FLNC (filamin C; plus strand). Cytogenetic location: 7q32.1.
Variant type: Duplication.
Coding change: c.1844dup on transcript NM_001458.5 (MANE Select); coding-DNA position 1844, one base duplicated (A; older notation c.1844dupA).
Protein change: p.Ile616fs; shifts the reading frame from isoleucine 616.
Molecular consequence: frameshift variant.
Genome position (GRCh38, 1-based): chr7:128,841,200, A duplicated; the last of 2 consecutive A bases (chr7:128,841,199-128,841,200); duplicating either gives the same sequence. VCF-style (leftmost placement, unchanged base first): chr7-128841198-C-CA. GRCh37 (hg19) VCF-style: chr7-128481252-C-CA.
Other names: c.1844dup, p.Ile616fs (NM_001127487.2); short protein forms I616fs.
Identifiers: ClinVar variation 860643 (VCV000860643.8), dbSNP rs1808318504, ClinGen allele CA916082319.

ClinVar aggregate classification (germline): Pathogenic (1 of 4 stars; one submission).

Conditions:
Myofibrillar myopathy 5. Also called: FILAMINOPATHY, AUTOSOMAL DOMINANT; Filaminopathy (type). Identifiers: Orphanet 171445, MedGen C1836050, MONDO:0012289, OMIM 609524.
Distal myopathy with posterior leg and anterior hand involvement. Also called: WILLIAMS DISTAL MYOPATHY. Identifiers: Orphanet 63273, MedGen C3279722, MONDO:0013550, OMIM 614065.
Hypertrophic cardiomyopathy 26. Also called: Cardiomyopathy, familial hypertrophic, 26. Identifiers: Orphanet 75249, MedGen C4310749, MONDO:0014883, OMIM 617047.

Submission:

Labcorp Genetics (formerly Invitae), Labcorp
Classification: Pathogenic for Distal myopathy with posterior leg and anterior hand involvement; Myofibrillar myopathy 5; Hypertrophic cardiomyopathy 26. Last evaluated: 2019-03-28. Review status: criteria provided, single submitter. Criteria: Invitae Variant Classification Sherloc (09022015). Collection method: clinical testing. Allele origin: germline.
Comment: For these reasons, this variant has been classified as Pathogenic. Loss-of-function variants in FLNC are known to be pathogenic (PMID: 27908349). This variant has not been reported in the literature in individuals with FLNC-related conditions. This variant is not present in population databases (ExAC no frequency). This sequence change creates a premature translational stop signal (p.Ile616Aspfs*4) in the FLNC gene. It is expected to result in an absent or disrupted protein product.

Literature cited by the submitters: PubMed 27908349.